The following is an entry in ClinVar:

NM_001148.6(ANK2):c.4378G>T (p.Glu1460Ter)

Gene: ANK2 (ankyrin 2; plus strand). Cytogenetic location: 4q26.
Variant type: single nucleotide variant.
Coding change: c.4378G>T on transcript NM_001148.6 (MANE Select); coding-DNA position 4378, G replaced by T.
Protein change: p.Glu1460Ter; replaces glutamic acid 1460 with a stop codon.
Molecular consequence: nonsense. On other transcripts: intron variant (8).
Genome position (GRCh38, 1-based): chr4:113,348,282, G>T. VCF-style: chr4-113348282-G-T. GRCh37 (hg19) VCF-style: chr4-114269438-G-T.
Other names: c.4375G>T, p.Glu1459Ter (NM_001354265.2, NM_001354235.2, NM_001354246.2); c.4192G>T, p.Glu1398Ter (NM_001354266.2, NM_001354267.2, NM_001354276.2 and 2 more transcripts); c.4180G>T, p.Glu1394Ter (NM_001354268.2); c.4165G>T, p.Glu1389Ter (NM_001354269.3); c.4153G>T, p.Glu1385Ter (NM_001354270.2, NM_001354253.2); c.4093G>T, p.Glu1365Ter (NM_001354271.2, NM_001386151.1, NM_001354260.2); c.4249G>T, p.Glu1417Ter (NM_001354272.2); c.4078G>T, p.Glu1360Ter (NM_001354273.2); and 33 more; short protein forms E1299*, E1332*, E1360*, E1365*, E1373*, E1385*, E1389*, E1394*.
Identifiers: ClinVar variation 4531921 (VCV004531921.1).

ClinVar aggregate classification (germline): Pathogenic (1 of 4 stars; one submission).

Conditions:
Neurodevelopmental disorder. Identifiers: MedGen C1535926, MeSH D065886, MONDO:0700092.

Submission:

Victorian Clinical Genetics Services, Murdoch Childrens Research Institute
Classification: Pathogenic for Neurodevelopmental disorder. Last evaluated: 2025-05-08. Review status: criteria provided, single submitter. Criteria: ACMG Guidelines, 2015. Collection method: clinical testing. Allele origin: germline. Affected: yes.
Comment: This variant is classified as Pathogenic. Evidence in support of pathogenic classification: Variant is predicted to cause nonsense-mediated decay (NMD) and loss of protein (premature termination codon is located at least 54 nucleotides upstream of the final exon-exon junction); Variant is absent from gnomAD (v2, v3 and v4); Other NMD-predicted variants comparable to the one identified in this case have very strong previous evidence for pathogenicity (DECIPHER, PMID: 37195288); Additional information: This variant is heterozygous; This gene is associated with autosomal dominant disease; This variant has no previous evidence of pathogenicity; No published segregation evidence has been identified for this variant; No published functional evidence has been identified for this variant; Loss of function is a known mechanism of disease in this gene and is associated with neurodevelopmental disorder (MONDO:0700092), ANK2-related.

Literature cited by the submitters: PubMed 37195288.